The following is an entry in ClinVar:

ClinVar aggregate classification (germline): Uncertain significance (1 of 4 stars; one submission).

Conditions:
Charcot-Marie-Tooth disease type 4. Also called: Charcot-Marie-Tooth, Type 4; Charcot-Marie-Tooth disease, type IV. Identifiers: Orphanet 64749, MedGen C4082197, MONDO:0018995.

Allele frequency attached by ClinVar (database versions not stated): gnomAD exomes below 0.00001 and 0.00001.
gnomAD v4.1: 8 of 1,611,810 alleles (0.0005%); highest among the groups gnomAD compares: South Asian, 0.0033%; no homozygotes.

Submission:

Labcorp Genetics (formerly Invitae), Labcorp
Classification: Uncertain significance for Charcot-Marie-Tooth disease type 4. Last evaluated: 2019-10-16. Review status: criteria provided, single submitter. Criteria: Invitae Variant Classification Sherloc (09022015). Collection method: clinical testing. Allele origin: germline.
Comment: This sequence change replaces proline with serine at codon 40 of the SBF2 protein (p.Pro40Ser). The proline residue is moderately conserved and there is a moderate physicochemical difference between proline and serine. This variant is not present in population databases (ExAC no frequency). This variant has not been reported in the literature in individuals with SBF2-related conditions. Algorithms developed to predict the effect of missense changes on protein structure and function are either unavailable or do not agree on the potential impact of this missense change (SIFT: "Tolerated"; PolyPhen-2: "Possibly Damaging"; Align-GVGD: "Class C0"). In summary, the available evidence is currently insufficient to determine the role of this variant in disease. Therefore, it has been classified as a Variant of Uncertain Significance.

NM_030962.4(SBF2):c.118C>T (p.Pro40Ser)

Gene: SBF2 (SET binding factor 2; minus strand). Cytogenetic location: 11p15.4.
Variant type: single nucleotide variant.
Coding change: c.118C>T on transcript NM_030962.4 (MANE Select); coding-DNA position 118, C replaced by T.
Protein change: p.Pro40Ser; replaces proline 40 with serine.
Molecular consequence: missense variant.
Genome position (GRCh38, 1-based): chr11:10,193,925, G>A on the plus strand (C>T on the coding strand, the complement: SBF2 is on the minus strand). VCF-style: chr11-10193925-G-A. GRCh37 (hg19) VCF-style: chr11-10215472-G-A.
Other names: c.118C>T, p.Pro40Ser (NM_001386339.1, NM_001386342.1); short protein forms P40S.
Identifiers: ClinVar variation 964619 (VCV000964619.10), dbSNP rs1194397200, ClinGen allele CA379850536.